The following is an entry in ClinVar:

NM_182961.4(SYNE1):c.19260+1G>C

Gene: SYNE1 (spectrin repeat containing nuclear envelope protein 1; minus strand). Cytogenetic location: 6q25.2.
Variant type: single nucleotide variant.
Coding change: c.19260+1G>C on transcript NM_182961.4 (MANE Select); the canonical splice donor site of the intron after coding-DNA position 19260, G replaced by C.
Molecular consequence: splice donor variant.
Genome position (GRCh38, 1-based): chr6:152,255,590, C>G on the plus strand (G>C on the coding strand, the complement: SYNE1 is on the minus strand). VCF-style: chr6-152255590-C-G. GRCh37 (hg19) VCF-style: chr6-152576725-C-G.
Other names: c.19047+1G>C (NM_033071.5).
Identifiers: ClinVar variation 2948940 (VCV002948940.3), dbSNP rs2551848818, ClinGen allele CA366136713.

ClinVar aggregate classification (germline): Likely pathogenic (1 of 4 stars; one submission).

Conditions:
Emery-Dreifuss muscular dystrophy 4, autosomal dominant (EDMD4). Also called: EMERY-DREIFUSS MUSCULAR DYSTROPHY 4 WITH VARIABLE FEATURES. Identifiers: Orphanet 261, MedGen C2751807, MONDO:0013071, OMIM 612998.
Autosomal recessive ataxia, Beauce type. Also called: SYNE1-Related Autosomal Recessive Cerebellar Ataxia; SYNE1 Deficiency; Spinocerebellar ataxia, autosomal recessive 8; ATAXIA, RECESSIVE, OF BEAUCE. Identifiers: Orphanet 88644, MedGen C1853116, MONDO:0012549, OMIM 610743.

Submission:

Labcorp Genetics (formerly Invitae), Labcorp
Classification: Likely pathogenic for Emery-Dreifuss muscular dystrophy 4, autosomal dominant; Autosomal recessive ataxia, Beauce type. Last evaluated: 2023-06-16. Review status: criteria provided, single submitter. Criteria: Invitae Variant Classification Sherloc (09022015). Collection method: clinical testing. Allele origin: germline.
Comment: This sequence change affects a donor splice site in intron 102 of the SYNE1 gene. It is expected to disrupt RNA splicing. Variants that disrupt the donor or acceptor splice site typically lead to a loss of protein function (PMID: 16199547), and loss-of-function variants in SYNE1 are known to be pathogenic (PMID: 19542096, 24319099, 27086870). This variant is not present in population databases (gnomAD no frequency). This variant has not been reported in the literature in individuals affected with SYNE1-related conditions. Algorithms developed to predict the effect of sequence changes on RNA splicing suggest that this variant may disrupt the consensus splice site. In summary, the currently available evidence indicates that the variant is pathogenic, but additional data are needed to prove that conclusively. Therefore, this variant has been classified as Likely Pathogenic.

Literature cited by the submitters: PubMed 16199547; PubMed 19542096; PubMed 24319099; PubMed 27086870.